The following is an entry in ClinVar:

NM_024537.4(CARS2):c.655+4G>A

Gene: CARS2 (cysteinyl-tRNA synthetase 2, mitochondrial; minus strand). Cytogenetic location: 13q34.
Variant type: single nucleotide variant.
Coding change: c.655+4G>A on transcript NM_024537.4 (MANE Select); 4 bases into the intron after coding-DNA position 655, G replaced by A.
Molecular consequence: intron variant.
Genome position (GRCh38, 1-based): chr13:110,683,047, C>T on the plus strand (G>A on the coding strand, the complement: CARS2 is on the minus strand). VCF-style: chr13-110683047-C-T. GRCh37 (hg19) VCF-style: chr13-111335394-C-T.
Other names: c.-132+4G>A (NM_001352252.2); c.655+4G>A (NM_001352253.3).
Identifiers: ClinVar variation 838724 (VCV000838724.7), dbSNP rs369200736, ClinGen allele CA7052140.

ClinVar aggregate classification (germline): Uncertain significance (1 of 4 stars; one submission).

Conditions:
Combined oxidative phosphorylation defect type 27. Also called: Combined oxidative phosphorylation deficiency 27. Identifiers: Orphanet 477774, MedGen C5567608, MONDO:0014728, OMIM 616672.

Allele frequency attached by ClinVar (database versions not stated): TOPMed below 0.00001; gnomAD 0.00001; ESP Exome Variant Server 0.00008.
gnomAD v4.1: 10 of 1,596,846 alleles (0.00063%); highest among the groups gnomAD compares: South Asian, 0.0023%; no homozygotes.

Submission:

Labcorp Genetics (formerly Invitae), Labcorp
Classification: Uncertain significance for Combined oxidative phosphorylation defect type 27. Last evaluated: 2021-08-27. Review status: criteria provided, single submitter. Criteria: Invitae Variant Classification Sherloc (09022015). Collection method: clinical testing. Allele origin: germline.
Comment: This sequence change falls in intron 6 of the CARS2 gene. It does not directly change the encoded amino acid sequence of the CARS2 protein. It affects a nucleotide within the consensus splice site of the intron. This variant is present in population databases (rs369200736, ExAC 0.008%). This variant has not been reported in the literature in individuals affected with CARS2-related conditions. Variants that disrupt the consensus splice site are a relatively common cause of aberrant splicing (PMID: 17576681, 9536098). Algorithms developed to predict the effect of sequence changes on RNA splicing suggest that this variant is not likely to affect RNA splicing. In summary, the available evidence is currently insufficient to determine the role of this variant in disease. Therefore, it has been classified as a Variant of Uncertain Significance.

Literature cited by the submitters: PubMed 17576681; PubMed 9536098.